The following is an entry in ClinVar:

NM_002291.3(LAMB1):c.1300G>A (p.Gly434Arg)

Gene: LAMB1 (laminin subunit beta 1; minus strand). Cytogenetic location: 7q31.1.
Variant type: single nucleotide variant.
Coding change: c.1300G>A on transcript NM_002291.3 (MANE Select); coding-DNA position 1300, G replaced by A.
Protein change: p.Gly434Arg; replaces glycine 434 with arginine.
Molecular consequence: missense variant.
Genome position (GRCh38, 1-based): chr7:107,975,303, C>T on the plus strand (G>A on the coding strand, the complement: LAMB1 is on the minus strand). VCF-style: chr7-107975303-C-T. GRCh37 (hg19) VCF-style: chr7-107615748-C-T.
Other names: short protein forms G434R.
Identifiers: ClinVar variation 3639947 (VCV003639947.4).

ClinVar aggregate classification (germline): Uncertain significance. Review status: criteria provided, multiple submitters, no conflicts (2 of 4 stars). 2 submissions from 2 submitters: Uncertain significance (2). Last evaluated 2025-04-21.

Conditions:
Leukoencephalopathy without lacunae, adult-onset. Identifiers: MedGen C6065932, MONDO:0980752, OMIM 621424.
Cobblestone lissencephaly without muscular or ocular involvement. Also called: Lissencephaly 5; LEUKOENCEPHALOPATHY WITH VARIABLE CORTICAL BRAIN MALFORMATIONS AND/OR HYDROCEPHALUS. Identifiers: Orphanet 352682, MedGen C3554657, MONDO:0014077, OMIM 615191.

gnomAD v4.1: 60 of 1,613,994 alleles (0.0037%); highest among the groups gnomAD compares: African/African-American, 0.057%; no homozygotes.

Submissions (2):

Labcorp Genetics (formerly Invitae), Labcorp
Classification: Uncertain significance. Last evaluated: 2025-04-21. Review status: criteria provided, single submitter. Criteria: Invitae Variant Classification Sherloc (09022015). Collection method: clinical testing. Allele origin: germline.
Comment: This sequence change replaces glycine, which is neutral and non-polar, with arginine, which is basic and polar, at codon 434 of the LAMB1 protein (p.Gly434Arg). This variant is present in population databases (rs151243430, gnomAD 0.06%). This variant has not been reported in the literature in individuals affected with LAMB1-related conditions. ClinVar contains an entry for this variant (Variation ID: 3639947). An algorithm developed to predict the effect of missense changes on protein structure and function (PolyPhen-2) suggests that this variant is likely to be disruptive. In summary, the available evidence is currently insufficient to determine the role of this variant in disease. Therefore, it has been classified as a Variant of Uncertain Significance.

Juno Genomics, Hangzhou Juno Genomics, Inc
Classification: Uncertain significance for Cobblestone lissencephaly without muscular or ocular involvement; Leukoencephalopathy without lacunae, adult-onset. Review status: criteria provided, single submitter. Criteria: ACMG Guidelines, 2015. Collection method: clinical testing. Allele origin: germline.
Comment: Absent from controls (or at extremely low frequency if recessive) in Genome Aggregation Database.;Multiple lines of computational evidence support a deleterious effect on the gene or gene product.